The following is an entry in ClinVar:

ClinVar aggregate classification (germline): Likely pathogenic. Review status: criteria provided, multiple submitters, no conflicts (2 of 4 stars). 2 submissions from 2 submitters: Likely pathogenic (2). Last evaluated 2025-01-28.

Conditions:
Stickler syndrome type 1 (STL1). Also called: STICKLER SYNDROME, MEMBRANOUS VITREOUS TYPE; STICKLER SYNDROME, VITREOUS TYPE 1; COL2A1-Related Stickler Syndrome; ARTHROOPHTHALMOPATHY, HEREDITARY PROGRESSIVE. Identifiers: Orphanet 828, Orphanet 90653, MedGen C2020284, MONDO:0007160, OMIM 108300.

Submissions (2):

Labcorp Genetics (formerly Invitae), Labcorp
Classification: Likely pathogenic. Last evaluated: 2025-01-28. Review status: criteria provided, single submitter. Criteria: Invitae Variant Classification Sherloc (09022015). Collection method: clinical testing. Allele origin: germline.
Comment: This sequence change replaces glycine, which is neutral and non-polar, with valine, which is neutral and non-polar, at codon 609 of the COL2A1 protein (p.Gly609Val). This variant is not present in population databases (gnomAD no frequency). This missense change has been observed in individual(s) with spondyloepiphyseal dysplasia (PMID: 29095814). ClinVar contains an entry for this variant (Variation ID: 1199414). Invitae Evidence Modeling of protein sequence and biophysical properties (such as structural, functional, and spatial information, amino acid conservation, physicochemical variation, residue mobility, and thermodynamic stability) indicates that this missense variant is expected to disrupt COL2A1 protein function with a positive predictive value of 95%. This variant disrupts the triple helix domain of COL2A1. Glycine residues within the Gly-Xaa-Yaa repeats of the triple helix domain are required for the structure and stability of fibrillar collagens (PMID: 7695699, 8218237, 19344236). In COL2A1, variants affecting these glycine residues are significantly enriched in individuals with disease (PMID: 9016532, 17078022) compared to the general population (ExAC). In summary, the currently available evidence indicates that the variant is pathogenic, but additional data are needed to prove that conclusively. Therefore, this variant has been classified as Likely Pathogenic.

HudsonAlpha Institute for Biotechnology
Classification: Likely pathogenic for Stickler syndrome type 1. Last evaluated: 2021-07-16. Review status: criteria provided, single submitter. Criteria: ACMG Guidelines, 2015. Collection method: research. Allele origin: de novo. Affected: yes. Observed: 1 variant allele. Study: CSER-SouthSeq.
Comment: ACMG codes: PS2; PM2; PP3

Literature cited by the submitters: PubMed 29095814 (cited by Labcorp Genetics (formerly Invitae), Labcorp); PubMed 7695699 (cited by Labcorp Genetics (formerly Invitae), Labcorp); PubMed 8218237 (cited by Labcorp Genetics (formerly Invitae), Labcorp); PubMed 19344236 (cited by Labcorp Genetics (formerly Invitae), Labcorp); PubMed 9016532 (cited by Labcorp Genetics (formerly Invitae), Labcorp); PubMed 17078022 (cited by Labcorp Genetics (formerly Invitae), Labcorp).

NM_001844.5(COL2A1):c.1826G>T (p.Gly609Val)

Gene: COL2A1 (collagen type II alpha 1 chain; minus strand). Cytogenetic location: 12q13.11.
Variant type: single nucleotide variant.
Coding change: c.1826G>T on transcript NM_001844.5 (MANE Select); coding-DNA position 1826, G replaced by T.
Protein change: p.Gly609Val; replaces glycine 609 with valine.
Molecular consequence: missense variant.
Genome position (GRCh38, 1-based): chr12:47,985,002, C>A on the plus strand (G>T on the coding strand, the complement: COL2A1 is on the minus strand). VCF-style: chr12-47985002-C-A. GRCh37 (hg19) VCF-style: chr12-48378785-C-A.
Other names: c.1619G>T, p.Gly540Val (NM_033150.3); short protein forms G540V, G609V.
Identifiers: ClinVar variation 1199414 (VCV001199414.9), dbSNP rs140580674, ClinGen allele CA384550472.